The following is an entry in ClinVar:

ClinVar aggregate classification (somatic clinical impact): Tier I - Strong. Review status: criteria provided, single submitter (1 of 4 stars). 2 submissions from 1 submitter. Last evaluated 2025-05-23.

Conditions:
Embryonal rhabdomyosarcoma (ERMS). Also called: Botryoid rhabdomyosarcoma (type of ERMS); Spindle cell rhabdomyosarcomas (type of ERMS). Identifiers: Orphanet 99757, MedGen C0206656, MONDO:0009993, HP:0006743.
Adrenal cortex carcinoma. Also called: Adrenocortical carcinoma. Identifiers: Orphanet 1501, MedGen C0206686, MeSH D018268, MONDO:0006639, HP:0006744.

Submissions (2):

Institute for Genomic Medicine (IGM) Clinical Laboratory, Nationwide Children's Hospital
Classification: Tier I - Strong for Adrenal cortex carcinoma. Assertion type: diagnostic. Clinical significance: supports diagnosis. Last evaluated: 2025-05-23. Review status: criteria provided, single submitter. Criteria: AMP/ASCO/CAP Guidelines, 2017. Collection method: clinical testing. Allele origin: somatic. Affected: yes.
Comment: Variant has Tier I (strong) clinical significance as a diagnostic inclusion criterion in adrenal cortex carcinoma, based on the following evidence: 1) Documented in one or more cancer databases (e.g., St. Jude Pecan, COSMIC, CIViC, OncoKB). 2) Appears in one or more well-established professional guidelines (e.g., World Health Organization [WHO]; National Comprehensive Cancer Network [NCCN]) as providing diagnostic, prognostic, or therapeutic information. 3) Information in the literature supports potential biologic effect of variant (PMIDs: 29435196, 30699286). 4) Diagnostic for a specific tumor type/classification based on well-powered studies with expert-level consensus (Evidence Level B; PMIDs: 16140927, 25743702, 27165744, 25490274, 24747642).

Institute for Genomic Medicine (IGM) Clinical Laboratory, Nationwide Children's Hospital
Classification: Tier I - Strong for Embryonal rhabdomyosarcoma. Assertion type: diagnostic. Clinical significance: supports diagnosis. Last evaluated: 2024-07-29. Review status: criteria provided, single submitter. Criteria: AMP/ASCO/CAP Guidelines, 2017. Collection method: clinical testing. Allele origin: somatic. Affected: yes.
Comment: Variant has Tier I (strong) clinical significance as a diagnostic inclusion criterion in embryonal rhabdomyosarcoma, based on the following evidence: 1) Documented in one or more cancer databases (e.g., St. Jude Pecan, COSMIC, CIViC, OncoKB). 2) Appears in one or more well-established professional guidelines (e.g., World Health Organization [WHO]; National Comprehensive Cancer Network [NCCN]) as providing diagnostic, prognostic, or therapeutic information. 3) Information in the literature supports potential biologic effect of variant (PMIDs: 26317117, 29435196). 4) Diagnostic for a specific tumor type/classification based on well-powered studies with expert-level consensus (Evidence Level B; PMIDs: 30617281, 34166060, 24436047, 24332040, 22142829).

Literature cited by the submitters: PubMed 29435196; PubMed 30699286; PubMed 16140927; PubMed 25743702; PubMed 27165744; PubMed 25490274; PubMed 24747642; PubMed 26317117; PubMed 30617281; PubMed 34166060; PubMed 24436047; PubMed 24332040; PubMed 22142829.

NM_001904.4(CTNNB1):c.134C>G (p.Ser45Cys)

Genes: CTNNB1 (catenin beta 1; plus strand), LOC126806658 (BRD4-independent group 4 enhancer GRCh37_chr3:41265899-41267098; plus strand). Cytogenetic location: 3p22.1.
Variant type: single nucleotide variant.
Coding change: c.134C>G on transcript NM_001904.4 (MANE Select); coding-DNA position 134, C replaced by G.
Protein change: p.Ser45Cys; replaces serine 45 with cysteine.
Molecular consequence: missense variant.
Genome position (GRCh38, 1-based): chr3:41,224,646, C>G. VCF-style: chr3-41224646-C-G. GRCh37 (hg19) VCF-style: chr3-41266137-C-G.
Other names: c.134C>G, p.Ser45Cys (NM_001098209.2, NM_001098210.2); c.113C>G, p.Ser38Cys (NM_001330729.2); short protein forms S45C, S38C.
Identifiers: ClinVar variation 4530140 (VCV004530140.1), dbSNP rs121913409.